The following is an entry in ClinVar:

NM_000535.7(PMS2):c.1700A>G (p.Gln567Arg)

Gene: PMS2 (PMS1 homolog 2, mismatch repair system component; minus strand). Cytogenetic location: 7p22.1.
Variant type: single nucleotide variant.
Coding change: c.1700A>G on transcript NM_000535.7 (MANE Select); coding-DNA position 1700, A replaced by G.
Protein change: p.Gln567Arg; replaces glutamine 567 with arginine.
Molecular consequence: missense variant. On other transcripts: non-coding transcript variant (1).
Genome position (GRCh38, 1-based): chr7:5,987,065, T>C on the plus strand (A>G on the coding strand, the complement: PMS2 is on the minus strand). VCF-style: chr7-5987065-T-C. GRCh37 (hg19) VCF-style: chr7-6026696-T-C.
Other names: c.1295A>G, p.Gln432Arg (NM_001322003.2, NM_001322004.2, NM_001322005.2 and 1 more transcripts); c.1544A>G, p.Gln515Arg (NM_001322006.2); c.1382A>G, p.Gln461Arg (NM_001322007.2, NM_001322008.2); c.1139A>G, p.Gln380Arg (NM_001322010.2); c.767A>G, p.Gln256Arg (NM_001322011.2, NM_001322012.2); c.1127A>G, p.Gln376Arg (NM_001322013.2); c.1700A>G, p.Gln567Arg (NM_001322014.2); c.1391A>G, p.Gln464Arg (NM_001322015.2); short protein forms Q567R, Q256R, Q380R, Q376R, Q464R, Q515R, Q432R, Q461R.
Identifiers: ClinVar variation 422543 (VCV000422543.18), dbSNP rs112104877, ClinGen allele CA16618501.

ClinVar aggregate classification (germline): Uncertain significance. Review status: criteria provided, multiple submitters, no conflicts (2 of 4 stars). 6 submissions from 6 submitters: Uncertain significance (6). Last evaluated 2026-01-31.

Conditions:
Hereditary nonpolyposis colorectal neoplasms. Identifiers: MedGen C0009405, MeSH D003123.
Lynch syndrome 4 (LYNCH4). Also called: Colorectal cancer, hereditary nonpolyposis, type 4; Hereditary non-polyposis colorectal cancer, type 4. Identifiers: Orphanet 144, MedGen C1838333, MONDO:0013699, OMIM 614337. Disease mechanism: loss of function.
Hereditary cancer-predisposing syndrome. Also called: Hereditary neoplastic syndrome; Neoplastic Syndromes, Hereditary; Tumor predisposition; Hereditary Cancer Syndrome. Identifiers: Orphanet 140162, MedGen C0027672, MeSH D009386, MONDO:0015356.

Allele frequency attached by ClinVar (database versions not stated): gnomAD exomes below 0.00001; TOPMed below 0.00001; gnomAD 0.00001.
gnomAD v4.1: 6 of 1,614,216 alleles (0.00037%); highest among the groups gnomAD compares: African/African-American, 0.004%; no homozygotes.

Submissions (6):

Labcorp Genetics (formerly Invitae), Labcorp
Classification: Uncertain significance for Hereditary nonpolyposis colorectal neoplasms. Last evaluated: 2026-01-31. Review status: criteria provided, single submitter. Criteria: Invitae Variant Classification Sherloc (09022015). Collection method: clinical testing. Allele origin: germline.
Comment: This sequence change replaces glutamine, which is neutral and polar, with arginine, which is basic and polar, at codon 567 of the PMS2 protein (p.Gln567Arg). This variant is not present in population databases (gnomAD no frequency). This variant has not been reported in the literature in individuals affected with PMS2-related conditions. ClinVar contains an entry for this variant (Variation ID: 422543). Invitae Evidence Modeling incorporating data from in vitro experimental studies (internal data) indicates that this missense variant is not expected to disrupt PMS2 function with a negative predictive value of 95%. In summary, the available evidence is currently insufficient to determine the role of this variant in disease. Therefore, it has been classified as a Variant of Uncertain Significance.

Color Diagnostics, LLC DBA Color Health
Classification: Uncertain significance for Hereditary cancer-predisposing syndrome. Last evaluated: 2025-05-12. Review status: criteria provided, single submitter. Criteria: ACMG Guidelines, 2015. Collection method: clinical testing. Allele origin: germline.
Comment: This missense variant replaces glutamine with arginine at codon 567 of the PMS2 protein. Computational prediction suggests that this variant may not impact protein structure and function. To our knowledge, functional studies have not been reported for this variant. This variant has not been reported in individuals affected with PMS2-related disorders in the literature. This variant has not been identified in the general population by the Genome Aggregation Database (gnomAD). The available evidence is insufficient to determine the role of this variant in disease conclusively. Therefore, this variant is classified as a Variant of Uncertain Significance.

Center for Genomic Medicine, Rigshospitalet, Copenhagen University Hospital
Classification: Uncertain significance. Last evaluated: 2025-03-04. Review status: criteria provided, single submitter. Criteria: ACMG Guidelines, 2015. Collection method: clinical testing. Allele origin: germline.

Ambry Genetics
Classification: Uncertain significance for Hereditary cancer-predisposing syndrome. Last evaluated: 2024-12-20. Review status: criteria provided, single submitter. Criteria: Ambry Variant Classification Scheme 2023. Collection method: clinical testing. Allele origin: germline.
Comment: The p.Q567R variant (also known as c.1700A>G), located in coding exon 11 of the PMS2 gene, results from an A to G substitution at nucleotide position 1700. The glutamine at codon 567 is replaced by arginine, an amino acid with highly similar properties. This amino acid position is poorly conserved in available vertebrate species. In addition, this alteration is predicted to be tolerated by in silico analysis. Since supporting evidence is limited at this time, the clinical significance of this alteration remains unclear.

GeneDx
Classification: Uncertain significance. Last evaluated: 2023-06-21. Review status: criteria provided, single submitter. Criteria: GeneDx Variant Classification Process June 2021. Collection method: clinical testing. Allele origin: germline. Affected: yes.
Comment: Not observed at significant frequency in large population cohorts (gnomAD); In silico analysis supports that this missense variant does not alter protein structure/function; Has not been previously published as pathogenic or benign to our knowledge; This variant is associated with the following publications: (PMID: 22949387)

Mendelics
Classification: Uncertain significance for Lynch syndrome 4. Last evaluated: 2019-05-28. Review status: criteria provided, single submitter. Criteria: Mendelics Assertion Criteria 2017. Collection method: clinical testing. Allele origin: unknown.